The following is an entry in ClinVar:

NM_006206.6(PDGFRA):c.1847G>A (p.Ser616Asn)

Gene: PDGFRA (platelet derived growth factor receptor alpha; plus strand). Cytogenetic location: 4q12.
Variant type: single nucleotide variant.
Coding change: c.1847G>A on transcript NM_006206.6 (MANE Select); coding-DNA position 1847, G replaced by A.
Protein change: p.Ser616Asn; replaces serine 616 with asparagine.
Molecular consequence: missense variant.
Genome position (GRCh38, 1-based): chr4:54,277,448, G>A. VCF-style: chr4-54277448-G-A. GRCh37 (hg19) VCF-style: chr4-55143615-G-A.
Other names: c.1847G>A, p.Ser616Asn (NM_001347827.2, NM_001347829.2); c.1922G>A, p.Ser641Asn (NM_001347828.2); c.1886G>A, p.Ser629Asn (NM_001347830.2); short protein forms S616N, S629N, S641N.
Identifiers: ClinVar variation 1434712 (VCV001434712.6), dbSNP rs2110308961, ClinGen allele CA356893453.
Genomic context (GRCh38, chr4:54,277,448, plus strand): 5'-GTCGGGTCTTGGGGTCTGGAGCGTTTGGGAAGGTGGTTGAAGGAACAGCCTATGGATTAA[G>A]CCGGTCCCAACCTGTCATGAAAGTTGCAGTGAAGATGCTAAAACGTAAGTGCTCCTTCCT-3'
Protein context (NP_006197.1, residues 606-626): KVVEGTAYGL[Ser616Asn]RSQPVMKVAV

ClinVar aggregate classification (germline): Uncertain significance (1 of 4 stars; one submission).

Conditions:
Gastrointestinal stromal tumor. Also called: Gastrointestinal stroma tumor; Gastrointestinal stromal tumor, somatic. Identifiers: Orphanet 44890, MedGen C0238198, MeSH D046152, MONDO:0011719, OMIM 606764, HP:0100723.

Submission:

Labcorp Genetics (formerly Invitae), Labcorp
Classification: Uncertain significance for Gastrointestinal stromal tumor. Last evaluated: 2021-09-24. Review status: criteria provided, single submitter. Criteria: Invitae Variant Classification Sherloc (09022015). Collection method: clinical testing. Allele origin: germline.
Comment: This variant has not been reported in the literature in individuals affected with PDGFRA-related conditions. This sequence change replaces serine with asparagine at codon 616 of the PDGFRA protein (p.Ser616Asn). The serine residue is highly conserved and there is a small physicochemical difference between serine and asparagine. This variant is not present in population databases (ExAC no frequency). Algorithms developed to predict the effect of missense changes on protein structure and function are either unavailable or do not agree on the potential impact of this missense change (SIFT: "Tolerated"; PolyPhen-2: "Possibly Damaging"; Align-GVGD: "Class C0"). In summary, the available evidence is currently insufficient to determine the role of this variant in disease. Therefore, it has been classified as a Variant of Uncertain Significance.